The following is an entry in ClinVar:

ClinVar aggregate classification (germline): Conflicting classifications of pathogenicity. Review status: criteria provided, conflicting classifications (1 of 4 stars). 5 submissions from 5 submitters: Uncertain significance (1); Likely benign (4). Last evaluated 2026-01-21.

Conditions:
Retinal dystrophy. Also called: Inherited retinal dystrophy. Identifiers: Orphanet 71862, MedGen C0854723, MeSH D058499, MONDO:0019118, HP:0000556.
Inborn genetic diseases. Identifiers: MedGen C0950123, MeSH D030342.

Allele frequency attached by ClinVar (database versions not stated): 1000 Genomes Project 30x 0.00062; 1000 Genomes Project 0.00080; ESP Exome Variant Server 0.00089; gnomAD 0.00099 and 0.00103; TOPMed 0.00099; gnomAD exomes 0.00111 and 0.00156; ExAC 0.00114.
gnomAD v4.1: 2,398 of 1,613,948 alleles (0.15%); highest among the groups gnomAD compares: South Asian, 0.21%; 8 homozygotes.

Submissions (5):

Labcorp Genetics (formerly Invitae), Labcorp
Classification: Likely benign. Last evaluated: 2026-01-21. Review status: criteria provided, single submitter. Criteria: Invitae Variant Classification Sherloc (09022015). Collection method: clinical testing. Allele origin: germline.

Blueprint Genetics
Classification: Likely benign. Last evaluated: 2024-11-07. Review status: criteria provided, single submitter. Criteria: ACMG Guidelines, 2015. Collection method: clinical testing. Allele origin: germline.

CeGaT Center for Human Genetics Tuebingen
Classification: Likely benign. Last evaluated: 2024-06-01. Review status: criteria provided, single submitter. Criteria: CeGaT Center For Human Genetics Tuebingen Variant Classification Criteria Version 2. Collection method: clinical testing. Allele origin: germline. Affected: yes. Observed: 2 variant alleles.
Comment: KIAA1549: BP4, BS2

Dept Of Ophthalmology, Nagoya University
Classification: Likely benign for Retinal dystrophy. Last evaluated: 2023-10-01. Review status: criteria provided, single submitter. Criteria: Submitter's publication. Collection method: research. Allele origin: germline. Affected: yes.

Ambry Genetics
Classification: Uncertain significance for Inborn genetic diseases. Last evaluated: 2021-08-13. Review status: criteria provided, single submitter. Criteria: Ambry Variant Classification Scheme 2023. Collection method: clinical testing. Allele origin: germline.

NM_001164665.2(KIAA1549):c.3875C>T (p.Pro1292Leu)

Gene: KIAA1549 (KIAA1549; minus strand). Cytogenetic location: 7q34.
Variant type: single nucleotide variant.
Coding change: c.3875C>T on transcript NM_001164665.2 (MANE Select); coding-DNA position 3875, C replaced by T.
Protein change: p.Pro1292Leu; replaces proline 1292 with leucine.
Molecular consequence: missense variant.
Genome position (GRCh38, 1-based): chr7:138,894,499, G>A on the plus strand (C>T on the coding strand, the complement: KIAA1549 is on the minus strand). VCF-style: chr7-138894499-G-A. GRCh37 (hg19) VCF-style: chr7-138579245-G-A.
Other names: c.3875C>T, p.Pro1292Leu (NM_020910.3); c.3875C>T (NM_001164665.1); short protein forms P1292L.
Identifiers: ClinVar variation 1105621 (VCV001105621.33), dbSNP rs139052197, ClinGen allele CA4506074.
Genomic context (GRCh38, chr7:138,894,499, plus strand): 5'-ACCACCAGCACTGGGATGACCACGCCAACAATGACCCACAAGTTGTTGCTCTGGGATTCC[G>A]GAGACGGCCTCTTCACCCTGTCGACAGCTGCAGACAAGGAAGAAAGGTCTTTCAATAATT-3'
Protein context (NP_001158137.1, residues 1282-1302): QPVDRVKRPS[Pro1292Leu]ESQSNNLWVI